The following is an entry in ClinVar:

NM_001365536.1(SCN9A):c.1886C>G (p.Ser629Cys)

Genes: SCN9A (sodium voltage-gated channel alpha subunit 9; minus strand), SCN1A-AS1 (SCN1A and SCN9A antisense RNA 1; plus strand). Cytogenetic location: 2q24.3.
Variant type: single nucleotide variant.
Coding change: c.1886C>G on transcript NM_001365536.1 (MANE Select); coding-DNA position 1886, C replaced by G.
Protein change: p.Ser629Cys; replaces serine 629 with cysteine.
Molecular consequence: missense variant.
Genome position (GRCh38, 1-based): chr2:166,284,541, G>C on the plus strand (C>G on the coding strand, the complement: SCN9A is on the minus strand). VCF-style: chr2-166284541-G-C. GRCh37 (hg19) VCF-style: chr2-167141051-G-C.
Other names: c.1886C>G, p.Ser629Cys (NM_002977.4); short protein forms S629C.
Identifiers: ClinVar variation 3756369 (VCV003756369.2).

ClinVar aggregate classification (germline): Uncertain significance (1 of 4 stars; one submission).

Conditions:
Neuropathy, hereditary sensory and autonomic, type 2A (HSAN2A). Also called: MORVAN DISEASE; NEUROPATHY, CONGENITAL SENSORY; NEUROPATHY, HEREDITARY SENSORY RADICULAR, AUTOSOMAL RECESSIVE; NEUROPATHY, HEREDITARY SENSORY, TYPE IIA; NEUROPATHY, PROGRESSIVE SENSORY, OF CHILDREN; ACROOSTEOLYSIS, GIACCAI TYPE. Identifiers: Orphanet 970, MedGen C2752089, MONDO:0024309, OMIM 201300.
Generalized epilepsy with febrile seizures plus, type 7 (GEFSP7). Also called: GEFS+, TYPE 7. Identifiers: Orphanet 36387, MedGen C2751778, MONDO:0013470, OMIM 613863.

Submission:

Labcorp Genetics (formerly Invitae), Labcorp
Classification: Uncertain significance for Neuropathy, hereditary sensory and autonomic, type 2A; Generalized epilepsy with febrile seizures plus, type 7. Last evaluated: 2025-05-11. Review status: criteria provided, single submitter. Criteria: Invitae Variant Classification Sherloc (09022015). Collection method: clinical testing. Allele origin: germline.
Comment: This sequence change replaces serine, which is neutral and polar, with cysteine, which is neutral and slightly polar, at codon 629 of the SCN9A protein (p.Ser629Cys). This variant is not present in population databases (gnomAD no frequency). This variant has not been reported in the literature in individuals affected with SCN9A-related conditions. ClinVar contains an entry for this variant (Variation ID: 3756369). Invitae Evidence Modeling of protein sequence and biophysical properties (such as structural, functional, and spatial information, amino acid conservation, physicochemical variation, residue mobility, and thermodynamic stability) indicates that this missense variant is not expected to disrupt SCN9A protein function with a negative predictive value of 95%. In summary, the available evidence is currently insufficient to determine the role of this variant in disease. Therefore, it has been classified as a Variant of Uncertain Significance.